The following is an entry in ClinVar:

NM_000038.6(APC):c.8123A>G (p.Asn2708Ser)

Gene: APC (APC regulator of Wnt signaling pathway; plus strand). Cytogenetic location: 5q22.2.
Variant type: single nucleotide variant.
Coding change: c.8123A>G on transcript NM_000038.6 (MANE Select); coding-DNA position 8123, A replaced by G.
Protein change: p.Asn2708Ser; replaces asparagine 2708 with serine.
Molecular consequence: missense variant. On other transcripts: non-coding transcript variant (2).
Genome position (GRCh38, 1-based): chr5:112,843,717, A>G. VCF-style: chr5-112843717-A-G. GRCh37 (hg19) VCF-style: chr5-112179414-A-G.
Other names: c.8123A>G, p.Asn2708Ser (NM_001127510.3, NM_001354895.2, NM_001407450.1); c.8069A>G, p.Asn2690Ser (NM_001127511.3); c.8177A>G, p.Asn2726Ser (NM_001354896.2, NM_001407447.1, NM_001407448.1 and 1 more transcripts); c.8153A>G, p.Asn2718Ser (NM_001354897.2); c.8048A>G, p.Asn2683Ser (NM_001354898.2); c.8039A>G, p.Asn2680Ser (NM_001354899.2); c.8000A>G, p.Asn2667Ser (NM_001354900.2); c.7946A>G, p.Asn2649Ser (NM_001354901.2, NM_001407453.1); and 11 more; short protein forms N2324S, N2607S, N2690S, N2708S, N2736S, N2617S, N2625S, N2667S.
Identifiers: ClinVar variation 2831216 (VCV002831216.3), dbSNP rs2533845873, ClinGen allele CA16038976.

ClinVar aggregate classification (germline): Uncertain significance (1 of 4 stars; one submission).

Conditions:
Familial adenomatous polyposis 1 (FAP1). Also called: FAMILIAL ADENOMATOUS POLYPOSIS 1, ATTENUATED; POLYPOSIS, ADENOMATOUS INTESTINAL. Identifiers: MedGen C2713442, MONDO:0021056, OMIM 175100. Disease mechanism: loss of function.

Submission:

Labcorp Genetics (formerly Invitae), Labcorp
Classification: Uncertain significance for Familial adenomatous polyposis 1. Last evaluated: 2023-01-23. Review status: criteria provided, single submitter. Criteria: Invitae Variant Classification Sherloc (09022015). Collection method: clinical testing. Allele origin: germline.
Comment: In summary, the available evidence is currently insufficient to determine the role of this variant in disease. Therefore, it has been classified as a Variant of Uncertain Significance. Advanced modeling of protein sequence and biophysical properties (such as structural, functional, and spatial information, amino acid conservation, physicochemical variation, residue mobility, and thermodynamic stability) performed at Invitae indicates that this missense variant is not expected to disrupt APC protein function. This variant has not been reported in the literature in individuals affected with APC-related conditions. This variant is not present in population databases (gnomAD no frequency). This sequence change replaces asparagine, which is neutral and polar, with serine, which is neutral and polar, at codon 2708 of the APC protein (p.Asn2708Ser).